The following is an entry in ClinVar:

NM_006904.7(PRKDC):c.1879G>A (p.Val627Met)

Gene: PRKDC (protein kinase, DNA-activated, catalytic subunit; minus strand). Cytogenetic location: 8q11.21.
Variant type: single nucleotide variant.
Coding change: c.1879G>A on transcript NM_006904.7 (MANE Select); coding-DNA position 1879, G replaced by A.
Protein change: p.Val627Met; replaces valine 627 with methionine.
Molecular consequence: missense variant.
Genome position (GRCh38, 1-based): chr8:47,930,685, C>T on the plus strand (G>A on the coding strand, the complement: PRKDC is on the minus strand). VCF-style: chr8-47930685-C-T. GRCh37 (hg19) VCF-style: chr8-48843245-C-T.
Other names: c.1879G>A, p.Val627Met (NM_001081640.2); short protein forms V627M.
Identifiers: ClinVar variation 3425281 (VCV003425281.1).

ClinVar aggregate classification (germline): Uncertain significance (1 of 4 stars; one submission).

Submission:

Ambry Genetics
Classification: Uncertain significance. Last evaluated: 2024-07-28. Review status: criteria provided, single submitter. Criteria: Ambry Variant Classification Scheme 2023. Collection method: clinical testing. Allele origin: germline.
Comment: The p.V627M variant (also known as c.1879G>A), located in coding exon 17 of the PRKDC gene, results from a G to A substitution at nucleotide position 1879. The valine at codon 627 is replaced by methionine, an amino acid with highly similar properties. This amino acid position is conserved. In addition, the in silico prediction for this alteration is inconclusive. Based on the available evidence, the clinical significance of this variant remains unclear.